The following is an entry in ClinVar:

ClinVar aggregate classification (germline): Likely pathogenic. Review status: criteria provided, single submitter (1 of 4 stars). 2 submissions from 2 submitters: Likely pathogenic (1). 1 of the submissions does not count toward it. Last evaluated 2025-02-27.

Conditions:
Holoprosencephaly 3 (HPE3). Identifiers: Orphanet 2162, MedGen C1840529, MONDO:0007733, OMIM 142945.

Allele frequency attached by ClinVar (database versions not stated): gnomAD 0.00003.

Submissions (2):

Laboratory of Molecular Genetics, CHU Rennes
Classification: Likely pathogenic for Holoprosencephaly 3. Last evaluated: 2025-02-27. Review status: criteria provided, single submitter. Criteria: ACMG Guidelines, 2015. Collection method: clinical testing. Allele origin: de novo. Inheritance: Autosomal dominant inheritance. Affected: yes.
Comment: The NM_000193.4:c.708C>A, is a missense variant in SHH in the Hint domain (PM1), absent from controls (PM2), predicted pathogenic by prediction tools (PP3), and occured de novo (PS2). This variant, already reported in one patient with holoprosencephaly (PP5). In summary, this variant meets criteria to be classified as likely pathogenic for holoprosencephaly based on the ACMG criteria applied.

GeneReviews
Classification: Pathogenic for Holoprosencephaly. Last evaluated: 2013-08-29. Review status: no assertion criteria provided. Collection method: curation. Allele origin: unknown. Not counted in ClinVar's aggregate classification.
ClinVar note: Converted during submission from pathologic to Pathogenic.

NM_000193.4(SHH):c.708C>A (p.Ser236Arg)

Gene: SHH (sonic hedgehog signaling molecule; minus strand). Cytogenetic location: 7q36.3.
Variant type: single nucleotide variant.
Coding change: c.708C>A on transcript NM_000193.4 (MANE Select); coding-DNA position 708, C replaced by A.
Protein change: p.Ser236Arg; replaces serine 236 with arginine.
Molecular consequence: missense variant. On other transcripts: intron variant (1).
Genome position (GRCh38, 1-based): chr7:155,803,581, G>T on the plus strand (C>A on the coding strand, the complement: SHH is on the minus strand). VCF-style: chr7-155803581-G-T. GRCh37 (hg19) VCF-style: chr7-155596275-G-T.
Other names: c.708C>A; c.301+2715C>A (NM_001310462.2); short protein forms S236R.
Identifiers: ClinVar variation 65892 (VCV000065892.3), dbSNP rs587778806, ClinGen allele CA345228.